The following is an entry in ClinVar:

NM_001128840.3(CACNA1D):c.6019G>A (p.Glu2007Lys)

Gene: CACNA1D (calcium voltage-gated channel subunit alpha1 D; plus strand). Cytogenetic location: 3p21.1.
Variant type: single nucleotide variant.
Coding change: c.6019G>A on transcript NM_001128840.3 (MANE Select); coding-DNA position 6019, G replaced by A.
Protein change: p.Glu2007Lys; replaces glutamic acid 2007 with lysine.
Molecular consequence: missense variant.
Genome position (GRCh38, 1-based): chr3:53,810,125, G>A. VCF-style: chr3-53810125-G-A. GRCh37 (hg19) VCF-style: chr3-53844152-G-A.
Other names: c.6079G>A, p.Glu2027Lys (NM_000720.4); c.5947G>A, p.Glu1983Lys (NM_001128839.3); short protein forms E1983K, E2007K, E2027K.
Identifiers: ClinVar variation 1331179 (VCV001331179.7), dbSNP rs1191150721, ClinGen allele CA353258298.

ClinVar aggregate classification (germline): Uncertain significance. Review status: criteria provided, multiple submitters, no conflicts (2 of 4 stars). 2 submissions from 2 submitters: Uncertain significance (2). Last evaluated 2023-11-06.

Allele frequency attached by ClinVar (database versions not stated): gnomAD exomes below 0.00001.
gnomAD v4.1: 4 of 1,614,016 alleles (0.00025%); highest among the groups gnomAD compares: South Asian, 0.0022%; no homozygotes.

Submissions (2):

Labcorp Genetics (formerly Invitae), Labcorp
Classification: Uncertain significance. Last evaluated: 2023-11-06. Review status: criteria provided, single submitter. Criteria: Invitae Variant Classification Sherloc (09022015). Collection method: clinical testing. Allele origin: germline.
Comment: This sequence change replaces glutamic acid, which is acidic and polar, with lysine, which is basic and polar, at codon 2027 of the CACNA1D protein (p.Glu2027Lys). This variant is present in population databases (no rsID available, gnomAD 0.003%). This variant has not been reported in the literature in individuals affected with CACNA1D-related conditions. ClinVar contains an entry for this variant (Variation ID: 1331179). An algorithm developed to predict the effect of missense changes on protein structure and function (PolyPhen-2) suggests that this variant is likely to be tolerated. In summary, the available evidence is currently insufficient to determine the role of this variant in disease. Therefore, it has been classified as a Variant of Uncertain Significance.

GeneDx
Classification: Uncertain significance. Last evaluated: 2021-06-29. Review status: criteria provided, single submitter. Criteria: GeneDx Variant Classification Process June 2021. Collection method: clinical testing. Allele origin: germline. Affected: yes.
Comment: Not observed at significant frequency in large population cohorts (Lek et al., 2016); In silico analysis supports that this missense variant does not alter protein structure/function; Has not been previously published as pathogenic or benign to our knowledge; This variant is associated with the following publications: (PMID: 27535533)